The following is an entry in ClinVar:

ClinVar aggregate classification (germline): Benign/Likely benign. Review status: criteria provided, multiple submitters, no conflicts (2 of 4 stars). 5 submissions from 5 submitters: Benign (1); Likely benign (3). 1 of the submissions does not count toward it. Last evaluated 2026-01-05.

Conditions:
SERPING1-related disorder. Also called: SERPING1-related condition.
Inborn genetic diseases. Identifiers: MedGen C0950123, MeSH D030342.

Allele frequency attached by ClinVar (database versions not stated): gnomAD exomes 0.00009 and 0.00025; ExAC 0.00030; ESP Exome Variant Server 0.00092; gnomAD 0.00092 and 0.00101; TOPMed 0.00099; 1000 Genomes Project 30x 0.00109; 1000 Genomes Project 0.00120.
gnomAD v4.1: 274 of 1,614,164 alleles (0.017%); highest among the groups gnomAD compares: African/African-American, 0.32%; no homozygotes.

Submissions (5):

Labcorp Genetics (formerly Invitae), Labcorp
Classification: Benign. Last evaluated: 2026-01-05. Review status: criteria provided, single submitter. Criteria: Invitae Variant Classification Sherloc (09022015). Collection method: clinical testing. Allele origin: germline.

Blueprint Genetics
Classification: Likely benign. Last evaluated: 2024-11-14. Review status: criteria provided, single submitter. Criteria: ACMG Guidelines, 2015. Collection method: clinical testing. Allele origin: germline.

Ambry Genetics
Classification: Likely benign for Inborn genetic diseases. Last evaluated: 2023-06-21. Review status: criteria provided, single submitter. Criteria: Ambry Variant Classification Scheme 2023. Collection method: clinical testing. Allele origin: germline.

GeneDx
Classification: Likely benign. Last evaluated: 2019-11-11. Review status: criteria provided, single submitter. Criteria: GeneDx Variant Classification Process June 2021. Collection method: clinical testing. Allele origin: germline. Affected: yes.
Comment: This variant is associated with the following publications: (PMID: 31517426)

PreventionGenetics, part of Exact Sciences
Classification: Likely benign for SERPING1-related condition. Last evaluated: 2024-02-10. Review status: no assertion criteria provided. Collection method: clinical testing. Allele origin: germline. Not counted in ClinVar's aggregate classification.
Comment: This variant is classified as likely benign based on ACMG/AMP sequence variant interpretation guidelines (Richards et al. 2015 PMID: 25741868, with internal and published modifications).

NM_000062.3(SERPING1):c.129G>A (p.Gly43=)

Gene: SERPING1 (serpin family G member 1; plus strand). Cytogenetic location: 11q12.1.
Variant type: single nucleotide variant.
Coding change: c.129G>A on transcript NM_000062.3 (MANE Select); coding-DNA position 129, G replaced by A.
Protein change: p.Gly43=; no amino-acid change (glycine 43 retained).
Molecular consequence: synonymous variant.
Genome position (GRCh38, 1-based): chr11:57,599,956, G>A. VCF-style: chr11-57599956-G-A. GRCh37 (hg19) VCF-style: chr11-57367429-G-A.
Other names: c.129G>A, p.Gly43= (NM_001032295.2).
Identifiers: ClinVar variation 696821 (VCV000696821.15), dbSNP rs149573972, ClinGen allele CA6007978.